The following is an entry in ClinVar:

ClinVar aggregate classification (germline): Likely benign (0 of 4 stars; one submission).

Conditions:
PLXNA3-related disorder. Also called: PLXNA3-related condition.

Submission:

PreventionGenetics, part of Exact Sciences
Classification: Likely benign for PLXNA3-related condition. Last evaluated: 2024-05-02. Review status: no assertion criteria provided. Collection method: clinical testing. Allele origin: germline.
Comment: This variant is classified as likely benign based on ACMG/AMP sequence variant interpretation guidelines (Richards et al. 2015 PMID: 25741868, with internal and published modifications).

NM_017514.5(PLXNA3):c.4077C>G (p.Arg1359=)

Gene: PLXNA3 (plexin A3; plus strand). Cytogenetic location: Xq28.
Variant type: single nucleotide variant.
Coding change: c.4077C>G on transcript NM_017514.5 (MANE Select); coding-DNA position 4077, C replaced by G.
Protein change: p.Arg1359=; no amino-acid change (arginine 1359 retained).
Molecular consequence: synonymous variant.
Genome position (GRCh38, 1-based): chrX:154,468,416, C>G. VCF-style: chrX-154468416-C-G. GRCh37 (hg19) VCF-style: chrX-153696759-C-G.
Identifiers: ClinVar variation 3348043 (VCV003348043.1).